The following is an entry in ClinVar:

ClinVar aggregate classification (germline): Uncertain significance. Review status: criteria provided, multiple submitters, no conflicts (2 of 4 stars). 3 submissions from 3 submitters: Uncertain significance (3). Last evaluated 2025-08-03.

Conditions:
Inborn genetic diseases. Identifiers: MedGen C0950123, MeSH D030342.

gnomAD v4.1: 1 of 1,612,170 alleles (0.000062%); no homozygotes.

Submissions (3):

Ambry Genetics
Classification: Uncertain significance for Inborn genetic diseases. Last evaluated: 2025-08-03. Review status: criteria provided, single submitter. Criteria: Ambry Variant Classification Scheme 2023. Collection method: clinical testing. Allele origin: germline.

Labcorp Genetics (formerly Invitae), Labcorp
Classification: Uncertain significance. Last evaluated: 2025-06-09. Review status: criteria provided, single submitter. Criteria: Invitae Variant Classification Sherloc (09022015). Collection method: clinical testing. Allele origin: germline.
Comment: This sequence change replaces methionine, which is neutral and non-polar, with valine, which is neutral and non-polar, at codon 598 of the PHF21A protein (p.Met598Val). This variant is not present in population databases (gnomAD no frequency). This variant has not been reported in the literature in individuals affected with PHF21A-related conditions. ClinVar contains an entry for this variant (Variation ID: 1691198). Invitae Evidence Modeling of protein sequence and biophysical properties (such as structural, functional, and spatial information, amino acid conservation, physicochemical variation, residue mobility, and thermodynamic stability) indicates that this missense variant is not expected to disrupt PHF21A protein function with a negative predictive value of 80%. In summary, the available evidence is currently insufficient to determine the role of this variant in disease. Therefore, it has been classified as a Variant of Uncertain Significance.

GeneDx
Classification: Uncertain significance. Last evaluated: 2021-12-03. Review status: criteria provided, single submitter. Criteria: GeneDx Variant Classification Process June 2021. Collection method: clinical testing. Allele origin: germline. Affected: yes.
Comment: Not observed at significant frequency in large population cohorts (gnomAD); In silico analysis supports that this missense variant does not alter protein structure/function; Has not been previously published as pathogenic or benign to our knowledge

NM_001352027.3(PHF21A):c.1795A>G (p.Met599Val)

Gene: PHF21A (PHD finger protein 21A; minus strand). Cytogenetic location: 11p11.2.
Variant type: single nucleotide variant.
Coding change: c.1795A>G on transcript NM_001352027.3 (MANE Select); coding-DNA position 1795, A replaced by G.
Protein change: p.Met599Val; replaces methionine 599 with valine.
Molecular consequence: missense variant. On other transcripts: non-coding transcript variant (2).
Genome position (GRCh38, 1-based): chr11:45,934,219, T>C on the plus strand (A>G on the coding strand, the complement: PHF21A is on the minus strand). VCF-style: chr11-45934219-T-C. GRCh37 (hg19) VCF-style: chr11-45955770-T-C.
Other names: c.1792A>G (NM_001101802.1); c.1795A>G, p.Met599Val (NM_001352026.3, NM_001352025.3); c.1654A>G, p.Met552Val (NM_001352028.1, NM_001352029.1, NM_016621.5); c.1651A>G, p.Met551Val (NM_001352030.3, NM_001352031.3, NM_001352032.3); c.1792A>G, p.Met598Val (NM_001101802.3); short protein forms M551V, M552V, M598V, M599V.
Identifiers: ClinVar variation 1691198 (VCV001691198.5), dbSNP rs1565129318, ClinGen allele CA380253678.